The following is an entry in ClinVar:

ClinVar aggregate classification (germline): Uncertain significance (1 of 4 stars; one submission).

Conditions:
Gorlin syndrome. Also called: Nevoid Basal Cell Carcinoma Syndrome; Basal cell nevus syndrome. Identifiers: Orphanet 377, MedGen C0004779, MONDO:0007187.

Submission:

Labcorp Genetics (formerly Invitae), Labcorp
Classification: Uncertain significance for Gorlin syndrome. Last evaluated: 2025-08-19. Review status: criteria provided, single submitter. Criteria: Invitae Variant Classification Sherloc (09022015). Collection method: clinical testing. Allele origin: germline.
Comment: This sequence change falls in intron 7 of the PTCH1 gene. It does not directly change the encoded amino acid sequence of the PTCH1 protein. It affects a nucleotide within the consensus splice site. This variant is not present in population databases (gnomAD no frequency). This variant has not been reported in the literature in individuals affected with PTCH1-related conditions. ClinVar contains an entry for this variant (Variation ID: 1009271). Variants that disrupt the consensus splice site are a relatively common cause of aberrant splicing (PMID: 17576681, 9536098). Algorithms developed to predict the effect of sequence changes on RNA splicing suggest that this variant is not likely to affect RNA splicing. In summary, the available evidence is currently insufficient to determine the role of this variant in disease. Therefore, it has been classified as a Variant of Uncertain Significance.

Literature cited by the submitters: PubMed 17576681; PubMed 9536098.

NM_000264.5(PTCH1):c.1067+6C>T

Gene: PTCH1 (patched 1; minus strand). Cytogenetic location: 9q22.32.
Variant type: single nucleotide variant.
Coding change: c.1067+6C>T on transcript NM_000264.5 (MANE Select); 6 bases into the intron after coding-DNA position 1067, C replaced by T.
Molecular consequence: intron variant.
Genome position (GRCh38, 1-based): chr9:95,479,963, G>A on the plus strand (C>T on the coding strand, the complement: PTCH1 is on the minus strand). VCF-style: chr9-95479963-G-A. GRCh37 (hg19) VCF-style: chr9-98242245-G-A.
Other names: c.1064+6C>T (NM_001083603.3); c.869+6C>T (NM_001083602.3); c.1067+6C>T (NM_001354918.2); c.614+6C>T (NM_001083605.3, NM_001083604.3, NM_001083606.3 and 1 more transcripts).
Identifiers: ClinVar variation 1009271 (VCV001009271.7), dbSNP rs1256541464, ClinGen allele CA1865650917.